The following is an entry in ClinVar:

NM_001377.3(DYNC2H1):c.3574A>G (p.Ile1192Val)

Gene: DYNC2H1 (dynein cytoplasmic 2 heavy chain 1; plus strand). Cytogenetic location: 11q22.3.
Variant type: single nucleotide variant.
Coding change: c.3574A>G on transcript NM_001377.3 (MANE Select); coding-DNA position 3574, A replaced by G.
Protein change: p.Ile1192Val; replaces isoleucine 1192 with valine.
Molecular consequence: missense variant.
Genome position (GRCh38, 1-based): chr11:103,155,331, A>G. VCF-style: chr11-103155331-A-G. GRCh37 (hg19) VCF-style: chr11-103026060-A-G.
Other names: c.3574A>G, p.Ile1192Val (NM_001080463.2); short protein forms I1192V.
Identifiers: ClinVar variation 1474308 (VCV001474308.3), dbSNP rs1421509501, ClinGen allele CA382273738.

ClinVar aggregate classification (germline): Uncertain significance (1 of 4 stars; one submission).

Conditions:
Jeune thoracic dystrophy. Also called: Short-rib thoracic dysplasia; Jeune syndrome; Infantile thoracic dystrophy; Thoracic pelvic phalangeal dystrophy; Jeune's syndrome; Chondroectodermal dysplasia-like syndrome. Identifiers: Orphanet 474, MedGen C0265275, MONDO:0018770.

Allele frequency attached by ClinVar (database versions not stated): gnomAD 0.00001 and 0.00002; TOPMed 0.00001; gnomAD exomes 0.00008.
gnomAD v4.1: 47 of 1,590,684 alleles (0.003%); highest among the groups gnomAD compares: East Asian, 0.11%; no homozygotes.

Submission:

Labcorp Genetics (formerly Invitae), Labcorp
Classification: Uncertain significance for Jeune thoracic dystrophy. Last evaluated: 2022-09-06. Review status: criteria provided, single submitter. Criteria: Invitae Variant Classification Sherloc (09022015). Collection method: clinical testing. Allele origin: germline.
Comment: This sequence change replaces isoleucine, which is neutral and non-polar, with valine, which is neutral and non-polar, at codon 1192 of the DYNC2H1 protein (p.Ile1192Val). This variant is not present in population databases (gnomAD no frequency). This variant has not been reported in the literature in individuals affected with DYNC2H1-related conditions. ClinVar contains an entry for this variant (Variation ID: 1474308). Algorithms developed to predict the effect of missense changes on protein structure and function (SIFT, PolyPhen-2, Align-GVGD) all suggest that this variant is likely to be tolerated. In summary, the available evidence is currently insufficient to determine the role of this variant in disease. Therefore, it has been classified as a Variant of Uncertain Significance.